The following is an entry in ClinVar:

ClinVar aggregate classification (germline): Pathogenic (1 of 4 stars; one submission).

Conditions:
Familial cancer of breast. Also called: Hereditary breast cancer; BREAST CANCER, FAMILIAL; hereditary breast carcinoma. Identifiers: Orphanet 227535, MedGen C0346153, MONDO:0016419, OMIM 114480. Disease mechanism: loss of function.

Submission:

Myriad Genetics, Inc.
Classification: Pathogenic for Familial cancer of breast. Last evaluated: 2023-09-07. Review status: criteria provided, single submitter. Criteria: Myriad Autosomal Dominant, Autosomal Recessive and X-Linked Classification Criteria (2023). Collection method: clinical testing. Allele origin: unknown.
Comment: This variant is considered pathogenic. This variant creates a frameshift predicted to result in premature protein truncation.

NM_024675.4(PALB2):c.1097dup (p.Asn366fs)

Gene: PALB2 (partner and localizer of BRCA2; minus strand). Cytogenetic location: 16p12.2.
Variant type: Duplication.
Coding change: c.1097dup on transcript NM_024675.4 (MANE Select); coding-DNA position 1097, one base duplicated (A; older notation c.1097dupA).
Protein change: p.Asn366fs; shifts the reading frame from asparagine 366.
Molecular consequence: frameshift variant. On other transcripts: intron variant (3).
Genome position (GRCh38, 1-based): chr16:23,635,449, T duplicated on the plus strand (A on the coding strand, the reverse complement: PALB2 is on the minus strand); the first of 2 consecutive T bases (chr16:23,635,449-23,635,450); duplicating either gives the same sequence. VCF-style (leftmost placement, unchanged base first): chr16-23635448-A-AT. GRCh37 (hg19) VCF-style: chr16-23646769-A-AT.
Other names: c.1037dup, p.Asn346fs (NM_001407296.1); c.1097dup, p.Asn366fs (NM_001407297.1, NM_001407298.1, NM_001407299.1 and 3 more transcripts); c.212dup, p.Asn71fs (NM_001407304.1, NM_001407305.1, NM_001407306.1 and 5 more transcripts); c.48+5661dup (NM_001407314.1); c.-104-4980dup (NM_001407313.1, NM_001407312.1); short protein forms N346fs, N366fs, N71fs.
Identifiers: ClinVar variation 2674084 (VCV002674084.1), dbSNP rs2506489045, ClinGen allele CA2695197510.
Genomic context (GRCh38, chr16:23,635,448, plus strand): 5'-GGTTGCTTCCAGGCTAAGACTCTTAGGTTGACTTAGAATCTCACTTTCCTGAAGATTTTC[A>AT]TTCCTGCCATCAAGAGTGTCACTGGGAGATTTTAAAGATTTCTCTGTTTGATTTTGTTCT-3'